The following is an entry in ClinVar:

ClinVar aggregate classification (germline): Uncertain significance (1 of 4 stars; one submission).

Conditions:
Multiple endocrine neoplasia, type 2 (MEN2). Identifiers: Orphanet 653, MedGen C4048306, MONDO:0019003. Disease mechanism: gain of function.

Submission:

Labcorp Genetics (formerly Invitae), Labcorp
Classification: Uncertain significance for Multiple endocrine neoplasia, type 2. Last evaluated: 2021-10-21. Review status: criteria provided, single submitter. Criteria: Invitae Variant Classification Sherloc (09022015). Collection method: clinical testing. Allele origin: germline.
Comment: In summary, the available evidence is currently insufficient to determine the role of this variant in disease. Therefore, it has been classified as a Variant of Uncertain Significance. Experimental studies and prediction algorithms are not available or were not evaluated, and the functional significance of this variant is currently unknown. This variant has not been reported in the literature in individuals affected with RET-related conditions. This variant is not present in population databases (ExAC no frequency). This variant, c.572_574del, results in the deletion of 1 amino acid(s) of the RET protein (p.Leu191del), but otherwise preserves the integrity of the reading frame.

NM_020975.6(RET):c.569TGC[1] (p.Leu191del)

Gene: RET (ret proto-oncogene; plus strand). Cytogenetic location: 10q11.21.
Variant type: Microsatellite.
Coding change: c.569TGC[1] on transcript NM_020975.6 (MANE Select); one copy of the 3-base unit TGC starting at c.569; the reference has two copies in a row; one copy, 3 bases deleted.
Protein change: p.Leu191del; deletes leucine 191.
Molecular consequence: inframe deletion. On other transcripts: inframe indel (26).
Genome position (GRCh38, 1-based): chr10:43,102,576-43,102,578, TGC deleted; deleting any 3 consecutive bases within chr10:43,102,572-43,102,578 gives the same sequence; the position shown is the placement nearest the transcript's 3' end. VCF-style (leftmost placement, unchanged base first): chr10-43102571-CCTG-C. GRCh37 (hg19) VCF-style: chr10-43598019-CCTG-C.
Other names: c.569_571TGC[1], p.Leu191del (NM_000323.2, NM_001406743.1, NM_001406744.1 and 16 more transcripts); c.440_442TGC[1], p.Leu148del (NM_001406761.1, NM_001406762.1, NM_001406764.1 and 4 more transcripts); short protein forms L191del, L148del.
Identifiers: ClinVar variation 1411855 (VCV001411855.8), dbSNP rs2132683821, ClinGen allele CA2580615456.